The following is an entry in ClinVar:

NM_001040108.2(MLH3):c.3281-5T>G

Gene: MLH3 (mutL homolog 3; minus strand). Cytogenetic location: 14q24.3.
Variant type: single nucleotide variant.
Coding change: c.3281-5T>G on transcript NM_001040108.2 (MANE Select); 5 bases into the intron before coding-DNA position 3281, T replaced by G.
Molecular consequence: intron variant.
Genome position (GRCh38, 1-based): chr14:75,042,482, A>C on the plus strand (T>G on the coding strand, the complement: MLH3 is on the minus strand). VCF-style: chr14-75042482-A-C. GRCh37 (hg19) VCF-style: chr14-75509185-A-C.
Other names: c.3281-5T>G (NM_014381.3).
Identifiers: ClinVar variation 3232532 (VCV003232532.1), dbSNP rs914374735, ClinGen allele CA2147313241.
Genomic context (GRCh38, chr14:75,042,482, plus strand): 5'-CGGAAGGAAAGGAAGAACAAGGTCGCTTCTAAAAGGTTGACACCTGTACTGAGACCCTAA[A>C]TATAAGAAAGAAAAACCTAGAAATGTGAACTTAAAATACAAGTAAACTCTTTAAAAATTT-3'

ClinVar aggregate classification (germline): Uncertain significance (1 of 4 stars; one submission).

Submission:

Ambry Genetics
Classification: Uncertain significance. Last evaluated: 2023-10-13. Review status: criteria provided, single submitter. Criteria: Ambry Variant Classification Scheme 2023. Collection method: clinical testing. Allele origin: germline.
Comment: The c.3281-5T>G intronic variant results from a T to G substitution 5 nucleotides upstream from coding exon 2 in the MLH3 gene. This nucleotide position is well conserved in available vertebrate species. In silico splice site analysis predicts that this alteration will weaken the native splice acceptor site. The evidence for this gene-disease relationship is limited; therefore, the clinical significance of this alteration is unclear.